The following is an entry in ClinVar:

NM_020975.6(RET):c.103G>A (p.Ala35Thr)

Gene: RET (ret proto-oncogene; plus strand). Cytogenetic location: 10q11.21.
Variant type: single nucleotide variant.
Coding change: c.103G>A on transcript NM_020975.6 (MANE Select); coding-DNA position 103, G replaced by A.
Protein change: p.Ala35Thr; replaces alanine 35 with threonine.
Molecular consequence: missense variant.
Genome position (GRCh38, 1-based): chr10:43,100,488, G>A. VCF-style: chr10-43100488-G-A. GRCh37 (hg19) VCF-style: chr10-43595936-G-A.
Other names: c.103G>A, p.Ala35Thr (NM_000323.2, NM_001406743.1, NM_001406744.1 and 34 more transcripts); short protein forms A35T.
Identifiers: ClinVar variation 954184 (VCV000954184.11), dbSNP rs984301854, ClinGen allele CA206713118.
Genomic context (GRCh38, chr10:43,100,488, plus strand): 5'-CATCCCTCACTCACTTCCCTACTTCCCACAGTGGCATTGGGCCTCTACTTCTCGAGGGAT[G>A]CTTACTGGGAGAAGCTGTATGTGGACCAGGCAGCCGGCACGCCCTTGCTGTACGTCCATG-3'
Protein context (NP_066124.1, residues 25-45): VALGLYFSRD[Ala35Thr]YWEKLYVDQA

ClinVar aggregate classification (germline): Uncertain significance. Review status: criteria provided, multiple submitters, no conflicts (2 of 4 stars). 2 submissions from 2 submitters: Uncertain significance (2). Last evaluated 2025-03-08.

Conditions:
Hereditary cancer-predisposing syndrome. Also called: Hereditary neoplastic syndrome; Tumor predisposition; Neoplastic Syndromes, Hereditary; Hereditary Cancer Syndrome. Identifiers: Orphanet 140162, MedGen C0027672, MeSH D009386, MONDO:0015356.
Multiple endocrine neoplasia, type 2 (MEN2). Identifiers: Orphanet 653, MedGen C4048306, MONDO:0019003. Disease mechanism: gain of function.

Submissions (2):

Ambry Genetics
Classification: Uncertain significance for Hereditary cancer-predisposing syndrome. Last evaluated: 2025-03-08. Review status: criteria provided, single submitter. Criteria: Ambry Variant Classification Scheme 2023. Collection method: clinical testing. Allele origin: germline.
Comment: The p.A35T variant (also known as c.103G>A), located in coding exon 2 of the RET gene, results from a G to A substitution at nucleotide position 103. The alanine at codon 35 is replaced by threonine, an amino acid with similar properties. This amino acid position is conserved. In addition, this alteration is predicted to be tolerated by in silico analysis. Based on the available evidence, the clinical significance of this variant remains unclear.

Labcorp Genetics (formerly Invitae), Labcorp
Classification: Uncertain significance for Multiple endocrine neoplasia, type 2. Last evaluated: 2019-07-21. Review status: criteria provided, single submitter. Criteria: Invitae Variant Classification Sherloc (09022015). Collection method: clinical testing. Allele origin: germline.
Comment: This variant is not present in population databases (ExAC no frequency). In summary, the available evidence is currently insufficient to determine the role of this variant in disease. Therefore, it has been classified as a Variant of Uncertain Significance. Algorithms developed to predict the effect of missense changes on protein structure and function output the following: SIFT: "Tolerated"; PolyPhen-2: "Benign"; Align-GVGD: "Class C0". The threonine amino acid residue is found in multiple mammalian species, suggesting that this missense change does not adversely affect protein function. These predictions have not been confirmed by published functional studies and their clinical significance is uncertain. This variant has not been reported in the literature in individuals with RET-related conditions. This sequence change replaces alanine with threonine at codon 35 of the RET protein (p.Ala35Thr). The alanine residue is weakly conserved and there is a small physicochemical difference between alanine and threonine.